The following is an entry in ClinVar:

NM_006648.4(WNK2):c.2284T>C (p.Tyr762His)

Gene: WNK2 (WNK lysine deficient protein kinase 2; plus strand). Cytogenetic location: 9q22.31.
Variant type: single nucleotide variant.
Coding change: c.2284T>C on transcript NM_006648.4 (MANE Select); coding-DNA position 2284, T replaced by C.
Protein change: p.Tyr762His; replaces tyrosine 762 with histidine.
Molecular consequence: missense variant.
Genome position (GRCh38, 1-based): chr9:93,257,041, T>C. VCF-style: chr9-93257041-T-C. GRCh37 (hg19) VCF-style: chr9-96019323-T-C.
Other names: c.2284T>C, p.Tyr762His (NM_001282394.3); short protein forms Y762H.
Identifiers: ClinVar variation 4866750 (VCV004866750.1).

ClinVar aggregate classification (germline): Uncertain significance (1 of 4 stars; one submission).

Submission:

Ambry Genetics
Classification: Uncertain significance. Last evaluated: 2026-06-09. Review status: criteria provided, single submitter. Criteria: Ambry Variant Classification Scheme 2023. Collection method: clinical testing. Allele origin: germline.
Comment: The p.Y762H variant (also known as c.2284T>C), located in coding exon 10 of the WNK2 gene, results from a T to C substitution at nucleotide position 2284. The tyrosine at codon 762 is replaced by histidine, an amino acid with similar properties. This amino acid position is conserved. In addition, this alteration is predicted to be tolerated by in silico analysis. Based on the available evidence, the clinical significance of this variant remains unclear.